The following is an entry in ClinVar:

NM_080860.4(RSPH1):c.196C>T (p.Arg66Ter)

Genes: RSPH1 (radial spoke head component 1; minus strand), LOC126653391 (CDK7 strongly-dependent group 2 enhancer GRCh37_chr21:43912470-43913669; plus strand). Cytogenetic location: 21q22.3.
Variant type: single nucleotide variant.
Coding change: c.196C>T on transcript NM_080860.4 (MANE Select); coding-DNA position 196, C replaced by T.
Protein change: p.Arg66Ter; replaces arginine 66 with a stop codon.
Molecular consequence: nonsense.
Genome position (GRCh38, 1-based): chr21:42,492,836, G>A on the plus strand (C>T on the coding strand, the complement: RSPH1 is on the minus strand). VCF-style: chr21-42492836-G-A. GRCh37 (hg19) VCF-style: chr21-43912946-G-A.
Other names: c.82C>T, p.Arg28Ter (NM_001286506.2); short protein forms R28*, R66*.
Identifiers: ClinVar variation 664828 (VCV000664828.11), dbSNP rs753105954, ClinGen allele CA10044020.

ClinVar aggregate classification (germline): Conflicting classifications of pathogenicity. Review status: criteria provided, conflicting classifications (1 of 4 stars). 3 submissions from 3 submitters: Pathogenic (1); Likely pathogenic (1); Uncertain significance (1). Last evaluated 2026-03-23.

Conditions:
Primary ciliary dyskinesia 24 (CILD24). Also called: CILIARY DYSKINESIA, PRIMARY, 24, WITHOUT SITUS INVERSUS. Identifiers: Orphanet 244, MedGen C3809634, MONDO:0014202, OMIM 615481.
Primary ciliary dyskinesia. Also called: Ciliary dyskinesia. Identifiers: Orphanet 244, MedGen C0008780, MONDO:0016575, HP:0012265.

Allele frequency attached by ClinVar (database versions not stated): gnomAD 0.00002; TOPMed 0.00002; gnomAD exomes 0.00002; ExAC 0.00002.
gnomAD v4.1: 12 of 1,612,642 alleles (0.00074%); highest among the groups gnomAD compares: African/African-American, 0.0067%; no homozygotes.

Submissions (3):

GeneDx
Classification: Uncertain significance. Last evaluated: 2026-03-23. Review status: criteria provided, single submitter. Criteria: GeneDx Variant Classification Process June 2021. Collection method: clinical testing. Allele origin: germline.
Comment: Nonsense variant predicted to result in protein truncation or nonsense mediated decay in a gene for which loss of function is a known mechanism of disease; Has not been previously published as pathogenic or benign to our knowledge; This variant is associated with the following publications: (PMID: 23993197)

Labcorp Genetics (formerly Invitae), Labcorp
Classification: Pathogenic for Primary ciliary dyskinesia. Last evaluated: 2025-10-23. Review status: criteria provided, single submitter. Criteria: Invitae Variant Classification Sherloc (09022015). Collection method: clinical testing. Allele origin: germline.
Comment: This sequence change creates a premature translational stop signal (p.Arg66*) in the RSPH1 gene. It is expected to result in an absent or disrupted protein product. Loss-of-function variants in RSPH1 are known to be pathogenic (PMID: 23993197). This variant is present in population databases (rs753105954, gnomAD 0.007%). This variant has not been reported in the literature in individuals affected with RSPH1-related conditions. ClinVar contains an entry for this variant (Variation ID: 664828). For these reasons, this variant has been classified as Pathogenic.

Fulgent Genetics
Classification: Likely pathogenic for Primary ciliary dyskinesia 24. Last evaluated: 2022-04-12. Review status: criteria provided, single submitter. Criteria: ACMG Guidelines, 2015. Collection method: clinical testing. Allele origin: unknown.

Literature cited by the submitters: PubMed 23993197 (cited by Labcorp Genetics (formerly Invitae), Labcorp).